The following is an entry in ClinVar:

NM_025219.3(DNAJC5):c.400G>A (p.Gly134Arg)

Gene: DNAJC5 (DnaJ heat shock protein family (Hsp40) member C5; plus strand). Cytogenetic location: 20q13.33.
Variant type: single nucleotide variant.
Coding change: c.400G>A on transcript NM_025219.3 (MANE Select); coding-DNA position 400, G replaced by A.
Protein change: p.Gly134Arg; replaces glycine 134 with arginine.
Molecular consequence: missense variant.
Genome position (GRCh38, 1-based): chr20:63,930,929, G>A. VCF-style: chr20-63930929-G-A. GRCh37 (hg19) VCF-style: chr20-62562282-G-A.
Other names: short protein forms G134R.
Identifiers: ClinVar variation 2094111 (VCV002094111.4), dbSNP rs750233915, ClinGen allele CA9969739.

ClinVar aggregate classification (germline): Uncertain significance (1 of 4 stars; one submission).

Conditions:
Neuronal ceroid lipofuscinosis. Also called: Neuronal Ceroid Lipofuscinoses. Identifiers: Orphanet 216, Orphanet 79263, MedGen C0027877, MONDO:0016295. Disease mechanism: loss of function.

Allele frequency attached by ClinVar (database versions not stated): gnomAD exomes below 0.00001; ExAC 0.00001; TOPMed 0.00001.
gnomAD v4.1: 4 of 1,614,138 alleles (0.00025%); highest among the groups gnomAD compares: South Asian, 0.0011%; no homozygotes.

Submission:

Labcorp Genetics (formerly Invitae), Labcorp
Classification: Uncertain significance for Neuronal ceroid lipofuscinosis. Last evaluated: 2023-08-04. Review status: criteria provided, single submitter. Criteria: Invitae Variant Classification Sherloc (09022015). Collection method: clinical testing. Allele origin: germline.
Comment: In summary, the available evidence is currently insufficient to determine the role of this variant in disease. Therefore, it has been classified as a Variant of Uncertain Significance. An algorithm developed to predict the effect of missense changes on protein structure and function (PolyPhen-2) suggests that this variant is likely to be disruptive. ClinVar contains an entry for this variant (Variation ID: 2094111). This variant has not been reported in the literature in individuals affected with DNAJC5-related conditions. This sequence change replaces glycine, which is neutral and non-polar, with arginine, which is basic and polar, at codon 134 of the DNAJC5 protein (p.Gly134Arg). This variant is present in population databases (rs750233915, gnomAD 0.003%).